The following is an entry in ClinVar:

NM_003072.5(SMARCA4):c.1118+1G>A

Gene: SMARCA4 (SWI/SNF related BAF chromatin remodeling complex subunit ATPase 4; plus strand). Cytogenetic location: 19p13.2.
Variant type: single nucleotide variant.
Coding change: c.1118+1G>A on transcript NM_003072.5 (MANE Select); the canonical splice donor site of the intron after coding-DNA position 1118, G replaced by A.
Molecular consequence: splice donor variant.
Genome position (GRCh38, 1-based): chr19:10,987,925, G>A. VCF-style: chr19-10987925-G-A. GRCh37 (hg19) VCF-style: chr19-11098601-G-A.
Other names: c.1118+1G>A (NM_001128844.3, NM_001128849.3, NM_001128847.4 and 6 more transcripts).
Identifiers: ClinVar variation 2822710 (VCV002822710.3), dbSNP rs2145823010, ClinGen allele CA404058986.

ClinVar aggregate classification (germline): Uncertain significance (1 of 4 stars; one submission).

Conditions:
Rhabdoid tumor predisposition syndrome 2 (RTPS2). Identifiers: Orphanet 231108, Orphanet 69077, MedGen C2750074, MONDO:0013224, OMIM 613325.

Submission:

Labcorp Genetics (formerly Invitae), Labcorp
Classification: Uncertain significance for Rhabdoid tumor predisposition syndrome 2. Last evaluated: 2022-12-20. Review status: criteria provided, single submitter. Criteria: Invitae Variant Classification Sherloc (09022015). Collection method: clinical testing. Allele origin: germline.
Comment: In summary, the available evidence is currently insufficient to determine the role of this variant in disease. Therefore, it has been classified as a Variant of Uncertain Significance. Studies have shown that disruption of this splice site is associated with altered splicing resulting in multiple RNA products (Invitae). This variant has not been reported in the literature in individuals affected with SMARCA4-related conditions. This variant is not present in population databases (gnomAD no frequency). This sequence change affects a donor splice site in intron 6 of the SMARCA4 gene. It is expected to disrupt RNA splicing. Variants that disrupt the donor or acceptor splice site typically lead to a loss of protein function (PMID: 16199547), and loss-of-function variants in SMARCA4 are known to be pathogenic (PMID: 24658001, 24658002).

Literature cited by the submitters: PubMed 16199547; PubMed 24658001; PubMed 24658002.